The following is an entry in ClinVar:

ClinVar aggregate classification (germline): Uncertain significance. Review status: criteria provided, multiple submitters, no conflicts (2 of 4 stars). 2 submissions from 2 submitters: Uncertain significance (2). Last evaluated 2024-10-31.

gnomAD v4.1: 18 of 1,613,848 alleles (0.0011%); highest among the groups gnomAD compares: Non-Finnish European, 0.0014%; no homozygotes.

Submissions (2):

Labcorp Genetics (formerly Invitae), Labcorp
Classification: Uncertain significance. Last evaluated: 2024-10-31. Review status: criteria provided, single submitter. Criteria: Invitae Variant Classification Sherloc (09022015). Collection method: clinical testing. Allele origin: germline.
Comment: This sequence change replaces lysine, which is basic and polar, with asparagine, which is neutral and polar, at codon 837 of the HYOU1 protein (p.Lys837Asn). The frequency data for this variant in the population databases is considered unreliable, as metrics indicate poor data quality at this position in the gnomAD database. This variant has not been reported in the literature in individuals affected with HYOU1-related conditions. ClinVar contains an entry for this variant (Variation ID: 2805080). An algorithm developed to predict the effect of missense changes on protein structure and function (PolyPhen-2) suggests that this variant is likely to be tolerated. In summary, the available evidence is currently insufficient to determine the role of this variant in disease. Therefore, it has been classified as a Variant of Uncertain Significance.

Ambry Genetics
Classification: Uncertain significance. Last evaluated: 2024-09-08. Review status: criteria provided, single submitter. Criteria: Ambry Variant Classification Scheme 2023. Collection method: clinical testing. Allele origin: germline.

NM_006389.5(HYOU1):c.2511G>T (p.Lys837Asn)

Gene: HYOU1 (hypoxia up-regulated 1; minus strand). Cytogenetic location: 11q23.3.
Variant type: single nucleotide variant.
Coding change: c.2511G>T on transcript NM_006389.5 (MANE Select); coding-DNA position 2511, G replaced by T.
Protein change: p.Lys837Asn; replaces lysine 837 with asparagine.
Molecular consequence: missense variant.
Genome position (GRCh38, 1-based): chr11:119,047,818, C>A on the plus strand (G>T on the coding strand, the complement: HYOU1 is on the minus strand). VCF-style: chr11-119047818-C-A. GRCh37 (hg19) VCF-style: chr11-118918530-C-A.
Other names: c.2511G>T (NM_006389.3); c.2511G>T, p.Lys837Asn (NM_001130991.3, NM_001411041.1); short protein forms K837N.
Identifiers: ClinVar variation 2805080 (VCV002805080.4), dbSNP rs201472881, ClinGen allele CA229617943.